The following is an entry in ClinVar:

NM_005591.4(MRE11):c.1200G>T (p.Arg400Ser)

Gene: MRE11 (MRE11 double strand break repair nuclease; minus strand). Cytogenetic location: 11q21.
Variant type: single nucleotide variant.
Coding change: c.1200G>T on transcript NM_005591.4 (MANE Select); coding-DNA position 1200, G replaced by T.
Protein change: p.Arg400Ser; replaces arginine 400 with serine.
Molecular consequence: missense variant.
Genome position (GRCh38, 1-based): chr11:94,464,138, C>A on the plus strand (G>T on the coding strand, the complement: MRE11 is on the minus strand). VCF-style: chr11-94464138-C-A. GRCh37 (hg19) VCF-style: chr11-94197304-C-A.
Other names: c.1200G>T, p.Arg400Ser (NM_001330347.2, NM_005590.4); short protein forms R400S.
Identifiers: ClinVar variation 186128 (VCV000186128.12), dbSNP rs777004819, ClinGen allele CA193933.

ClinVar aggregate classification (germline): Uncertain significance. Review status: criteria provided, multiple submitters, no conflicts (2 of 4 stars). 2 submissions from 2 submitters: Uncertain significance (2). Last evaluated 2023-07-03.

Conditions:
Ataxia-telangiectasia-like disorder (ATLD). Identifiers: MedGen C1858391, MONDO:0011457.
Hereditary cancer-predisposing syndrome. Also called: Hereditary neoplastic syndrome; Neoplastic Syndromes, Hereditary; Tumor predisposition; Hereditary Cancer Syndrome. Identifiers: Orphanet 140162, MedGen C0027672, MeSH D009386, MONDO:0015356.

Allele frequency attached by ClinVar (database versions not stated): ExAC 0.00001; gnomAD 0.00001; gnomAD exomes 0.00001; TOPMed 0.00001.
gnomAD v4.1: 6 of 1,613,442 alleles (0.00037%); highest among the groups gnomAD compares: Non-Finnish European, 0.00042%; no homozygotes.

Submissions (2):

Ambry Genetics
Classification: Uncertain significance for Hereditary cancer-predisposing syndrome. Last evaluated: 2023-07-03. Review status: criteria provided, single submitter. Criteria: Ambry Variant Classification Scheme 2023. Collection method: clinical testing. Allele origin: germline.
Comment: The p.R400S variant (also known as c.1200G>T), located in coding exon 10 of the MRE11A gene, results from a G to T substitution at nucleotide position 1200. The arginine at codon 400 is replaced by serine, an amino acid with dissimilar properties. This amino acid position is highly conserved in available vertebrate species. In addition, this alteration is predicted to be deleterious by in silico analysis. Since supporting evidence is limited at this time, the clinical significance of this alteration remains unclear.

Labcorp Genetics (formerly Invitae), Labcorp
Classification: Uncertain significance for Ataxia-telangiectasia-like disorder. Last evaluated: 2021-08-24. Review status: criteria provided, single submitter. Criteria: Invitae Variant Classification Sherloc (09022015). Collection method: clinical testing. Allele origin: germline.
Comment: This sequence change replaces arginine with serine at codon 400 of the MRE11 protein (p.Arg400Ser). The arginine residue is moderately conserved and there is a moderate physicochemical difference between arginine and serine. This variant is present in population databases (rs777004819, ExAC 0.002%). This variant has not been reported in the literature in individuals affected with MRE11-related conditions. ClinVar contains an entry for this variant (Variation ID: 186128). Algorithms developed to predict the effect of missense changes on protein structure and function are either unavailable or do not agree on the potential impact of this missense change (SIFT: "Deleterious"; PolyPhen-2: "Probably Damaging"; Align-GVGD: "Class C0"). In summary, the available evidence is currently insufficient to determine the role of this variant in disease. Therefore, it has been classified as a Variant of Uncertain Significance.